The following is an entry in ClinVar:

ClinVar aggregate classification (germline): Pathogenic (1 of 4 stars; one submission).

Conditions:
Hereditary cancer-predisposing syndrome. Also called: Hereditary Cancer Syndrome; Hereditary neoplastic syndrome; Neoplastic Syndromes, Hereditary; Tumor predisposition. Identifiers: Orphanet 140162, MedGen C0027672, MeSH D009386, MONDO:0015356.

Submission:

Ambry Genetics
Classification: Pathogenic for Hereditary cancer-predisposing syndrome. Last evaluated: 2018-11-01. Review status: criteria provided, single submitter. Criteria: Ambry Variant Classification Scheme 2023. Collection method: clinical testing. Allele origin: germline.
Comment: The c.1376_1405del30 pathogenic mutation (also known as p.S459*) is located in coding exon 11 of the PMS2 gene. This variant results from an in-frame deletion of 30 nucleotides at positions 1376 to 1405. This changes the amino acid at codon 459 from a serine to a stop codon within coding exon 11. This alteration is expected to result in loss of function by premature protein truncation or nonsense-mediated mRNA decay. As such, this alteration is interpreted as a disease-causing mutation.

NM_000535.7(PMS2):c.1376_1405del (p.Ser459_Arg469delinsTer)

Gene: PMS2 (PMS1 homolog 2, mismatch repair system component; minus strand). Cytogenetic location: 7p22.1.
Variant type: Deletion.
Coding change: c.1376_1405del on transcript NM_000535.7 (MANE Select); coding-DNA positions 1376 to 1405, 30 bases deleted (CAGGTGCCATCTCTGACAAAGGCGTCCTGA).
Protein change: p.Ser459_Arg469delinsTer.
Molecular consequence: nonsense. On other transcripts: inframe indel (1), non-coding transcript variant (1).
Genome position (GRCh38, 1-based): chr7:5,987,360-5,987,389, TCAGGACGCCTTTGTCAGAGATGGCACCTG deleted on the plus strand (CAGGTGCCATCTCTGACAAAGGCGTCCTGA on the coding strand, the reverse complement: PMS2 is on the minus strand). VCF-style (leftmost placement, unchanged base first): chr7-5987359-CTCAGGACGCCTTTGTCAGAGATGGCACCTG-C. GRCh37 (hg19) VCF-style: chr7-6026990-CTCAGGACGCCTTTGTCAGAGATGGCACCTG-C.
Other names: c.971_1000del30, p.Ser324_Val668delinsTer (NM_001018040.1, NM_001406889.1, NM_001406890.1 and 9 more transcripts); c.971_1000del, p.Ser324_Arg334delinsTer (NM_001322003.2, NM_001322004.2, NM_001322005.2 and 1 more transcripts); c.1220_1249del, p.Ser407_Arg417delinsTer (NM_001322006.2); c.1058_1087del, p.Ser353_Arg363delinsTer (NM_001322007.2, NM_001322008.2); c.815_844del, p.Ser272_Arg282delinsTer (NM_001322010.2); c.443_472del, p.Ser148_Arg158delinsTer (NM_001322011.2, NM_001322012.2); c.803_832del, p.Ser268_Arg278delinsTer (NM_001322013.2); c.1376_1405del, p.Ser459_Arg469delinsTer (NM_001322014.2); and 26 more.
Identifiers: ClinVar variation 1771151 (VCV001771151.2), dbSNP rs2535796635, ClinGen allele CA2580076963.
Genomic context (GRCh38, chr7:5,987,359, plus strand): 5'-TCCGCTCTGTCCGTAGGGTCACTGGGTCCGTGACTGGAACTCACTGCCTCTTTCTGAGGT[CTCAGGACGCCTTTGTCAGAGATGGCACCTG>C]AAGTGCTAGAAGACAGCATACCCCTTTTCTGTCCTAGAGGGCTCCTTCTTGGTTCTGGAG-3'